The following is an entry in ClinVar:

NM_004994.3(MMP9):c.1196C>A (p.Ala399Glu)

Gene: MMP9 (matrix metallopeptidase 9; plus strand). Cytogenetic location: 20q13.12.
Variant type: single nucleotide variant.
Coding change: c.1196C>A on transcript NM_004994.3 (MANE Select); coding-DNA position 1196, C replaced by A.
Protein change: p.Ala399Glu; replaces alanine 399 with glutamic acid.
Molecular consequence: missense variant.
Genome position (GRCh38, 1-based): chr20:46,012,448, C>A. VCF-style: chr20-46012448-C-A. GRCh37 (hg19) VCF-style: chr20-44641087-C-A.
Other names: short protein forms A399E.
Identifiers: ClinVar variation 3905801 (VCV003905801.10).

ClinVar aggregate classification (germline): Uncertain significance (1 of 4 stars; one submission).

gnomAD v4.1: 3 of 1,614,144 alleles (0.00019%); highest among the groups gnomAD compares: Non-Finnish European, 0.00025%; no homozygotes.

Submission:

CeGaT Center for Human Genetics Tuebingen
Classification: Uncertain significance. Last evaluated: 2025-05-01. Review status: criteria provided, single submitter. Criteria: CeGaT Center For Human Genetics Tuebingen Variant Classification Criteria Version 2. Collection method: clinical testing. Allele origin: germline. Affected: yes. Observed: 1 variant allele.
Comment: MMP9: PM2